The following is an entry in ClinVar:

NM_015338.6(ASXL1):c.1720-2A>G

Gene: ASXL1 (ASXL transcriptional regulator 1; plus strand). Cytogenetic location: 20q11.21.
Variant type: single nucleotide variant.
Coding change: c.1720-2A>G on transcript NM_015338.6 (MANE Select); the canonical splice acceptor site of the intron before coding-DNA position 1720, A replaced by G.
Molecular consequence: splice acceptor variant.
Genome position (GRCh38, 1-based): chr20:32,434,430, A>G. VCF-style: chr20-32434430-A-G. GRCh37 (hg19) VCF-style: chr20-31022233-A-G.
Other names: c.1537-2A>G (NM_001363734.1).
Identifiers: ClinVar variation 1075418 (VCV001075418.8), dbSNP rs376029425, ClinGen allele CA9808433.

ClinVar aggregate classification (germline): Pathogenic (1 of 4 stars; one submission).

Allele frequency attached by ClinVar (database versions not stated): TOPMed below 0.00001; gnomAD 0.00001; ExAC 0.00002; ESP Exome Variant Server 0.00008.
gnomAD v4.1: 4 of 1,613,718 alleles (0.00025%); highest among the groups gnomAD compares: Non-Finnish European, 0.000085%; no homozygotes.

Submissions (2):

Labcorp Genetics (formerly Invitae), Labcorp
Classification: Pathogenic. Last evaluated: 2020-07-02. Review status: criteria provided, single submitter. Criteria: Invitae Variant Classification Sherloc (09022015). Collection method: clinical testing. Allele origin: germline.
Comment: This sequence change affects an acceptor splice site in the last intron (intron 12) of the ASXL1 gene. While this is not anticipated to result in nonsense mediated decay, it likely alters RNA splicing and results in a disrupted protein product. This variant is present in population databases (rs376029425, ExAC 0.003%). This variant has been observed in individual(s) with Bohring-Opitz syndrome (PMID: 31692235). In at least one individual the variant was observed to be de novo. Nucleotide substitutions within the consensus splice site are a relatively common cause of aberrant splicing (PMID: 17576681, 9536098). Experimental studies have shown that this variant disrupts mRNA splicing (PMID: 31692235). For these reasons, this variant has been classified as Pathogenic.

Dr. Peter K. Rogan Lab, Western University
No classification provided (evidence only). Condition: Thyroid cancer, nonmedullary, 1. Review status: no classification provided. Collection method: in vitro. Allele origin: not applicable. Functional consequence: retained intron. Not counted in ClinVar's aggregate classification.

Literature cited by the submitters: PubMed 31692235 (cited by Labcorp Genetics (formerly Invitae), Labcorp); PubMed 17576681 (cited by Labcorp Genetics (formerly Invitae), Labcorp); PubMed 9536098 (cited by Labcorp Genetics (formerly Invitae), Labcorp).